The following is an entry in ClinVar:

NR_003051.3(RMRP):n.-19_-5dupTCTGTGAAGCTGAGG

Gene: RMRP (RNA component of mitochondrial RNA processing endoribonuclease; minus strand). Cytogenetic location: 9p13.3.
Variant type: Duplication.
Genome position: GRCh38 VCF-style: chr9-35658022-T-TCCTCAGCTTCACAGA. GRCh37 (hg19) VCF-style: chr9-35658019-T-TCCTCAGCTTCACAGA.
Identifiers: ClinVar variation 965023 (VCV000965023.9), dbSNP rs1823637565, ClinGen allele CA1139660930.
Genomic context (GRCh38, chr9:35,658,022, plus strand): 5'-AGGGGAGGAACAGAGTCCTCAGTGTGTAGCCTAGGATACAGGCCTTCAGCACGAACCACG[T>TCCTCAGCTTCACAGA]CCTCAGCTTCACAGAGTAGTATTTTATAGCCCTAAAGAAATTGTGTTTTATGATTAGGGT-3'

ClinVar aggregate classification (germline): Pathogenic/Likely pathogenic. Review status: criteria provided, multiple submitters, no conflicts (2 of 4 stars). 3 submissions from 3 submitters: Pathogenic (1); Likely pathogenic (2). Last evaluated 2025-09-16.

Conditions:
Metaphyseal chondrodysplasia, McKusick type (CHH). Also called: Cartilage-hair hypoplasia; Cartilage-Hair Hypoplasia (CHH). Identifiers: Orphanet 175, MedGen C0220748, MONDO:0009595, OMIM 250250.
Anauxetic dysplasia. Identifiers: Orphanet 93347, MedGen C1846796, MONDO:0011773.

Allele frequency attached by ClinVar (database versions not stated): gnomAD exomes 0.00002.

Submissions (3):

Natera, Inc.
Classification: Likely pathogenic for Cartilage-hair hypoplasia. Last evaluated: 2025-09-16. Review status: criteria provided, single submitter. Criteria: Natera Variant Classification Schema (03/2026). Collection method: clinical testing. Allele origin: germline.
Comment: The n.-19_-5dupTCTGTGAAGCTGAGG variant in RMRP is a duplication affecting the RMRP promoter region between the TATA box and the transcription initiation site. Other duplications and insertions just upstream of the transcription initiation site have been reported in individuals affected with cartilage-hair hypoplasia (PMID: 11207361, 17937437). This variant is rare in the general population with a frequency below the threshold expected for the associated phenotype(s). Given the available evidence, this variant is classified as Likely pathogenic.

Labcorp Genetics (formerly Invitae), Labcorp
Classification: Pathogenic for Anauxetic dysplasia. Last evaluated: 2024-02-19. Review status: criteria provided, single submitter. Criteria: Invitae Variant Classification Sherloc (09022015). Collection method: clinical testing. Allele origin: germline.
Comment: This variant occurs in the RMRP gene, which encodes an RNA molecule that does not result in a protein product. This variant is not present in population databases (gnomAD no frequency). While this particular variant has not been reported in the literature, it is located in the promoter region between the TATA box and the transcription initiation site, and other insertions and duplications immediately upstream of the coding sequence have been reported in individuals affected with cartilage-hair hypoplasia-anauxetic dysplasia (CHH-AD) spectrum disorders (PMID: 16244706, 11207361, 12107819). ClinVar contains an entry for this variant (Variation ID: 965023). While functional studies for this variant have not been reported, experimental analyses using patient derived cells, as well as in vitro transfection studies, have shown that promoter insertions result in silencing of RMRP transcription and reduced expression of the gene product (PMID: 11207361, 16254002). For these reasons, this variant has been classified as Pathogenic.

Women's Health and Genetics/Laboratory Corporation of America, LabCorp
Classification: Likely pathogenic for Metaphyseal chondrodysplasia, McKusick type. Last evaluated: 2023-02-24. Review status: criteria provided, single submitter. Criteria: LabCorp Variant Classification Summary - May 2015. Collection method: clinical testing. Allele origin: germline.
Comment: Variant summary: RMRP n.-19_-5dup15 involves the insertion of 15 nucleotides in the promoter region of RMRP, which is located between the TATA box (-33 to -25) and the transcription initiation site. Other insertions or duplications in the promoter region of RMRP have been classified as pathogenic (internally and in ClinVar). The variant was absent in 127922 control chromosomes (gnomAD). The available data on variant occurrences in the general population are insufficient to allow any conclusion about variant significance. To our knowledge, no occurrence of n.-19_-5dup15 in individuals affected with Cartilage-Hair Hypoplasia and no experimental evidence demonstrating its impact on protein function have been reported. However, many other insertions or duplications in the promoter region of RMRP have been reported in affected individuals in the literature (e.g. PMIDs: 21956908, 21396580) and have been demonstrated through functional studies to lead to reduced RMRP transcription (e.g. PMIDs: 11207361, 16254002, 17937437). One clinical diagnostic laboratory has submitted clinical-significance assessments for this variant to ClinVar after 2014 without evidence for independent evaluation and classified the variant as pathogenic. Based on the evidence outlined above, the variant was classified as likely pathogenic.

Literature cited by the submitters: PubMed 11207361 (cited by Natera, Inc. and Labcorp Genetics (formerly Invitae), Labcorp); PubMed 17937437 (cited by Natera, Inc.); PubMed 16244706 (cited by Labcorp Genetics (formerly Invitae), Labcorp); PubMed 12107819 (cited by Labcorp Genetics (formerly Invitae), Labcorp); PubMed 16254002 (cited by Labcorp Genetics (formerly Invitae), Labcorp).